The following is an entry in ClinVar:

ClinVar aggregate classification (germline): Uncertain significance. Review status: criteria provided, multiple submitters, no conflicts (2 of 4 stars). 5 submissions from 5 submitters: Uncertain significance (4). 1 of the submissions does not count toward it. Last evaluated 2024-10-09.

Conditions:
Cardiomyopathy (CMYO). Also called: Cardiomyopathies. Identifiers: Orphanet 167848, MedGen C0878544, MONDO:0004994, HP:0001638. Inheritance: Various modes of inheritance.
Duchenne muscular dystrophy (DMD). Also called: MUSCULAR DYSTROPHY, PSEUDOHYPERTROPHIC PROGRESSIVE, DUCHENNE TYPE; Duchenne Muscular Dystrophy (DMD). Identifiers: Orphanet 98896, MedGen C0013264, MONDO:0010679, OMIM 310200.
Dystrophin deficiency.
Becker muscular dystrophy (BMD). Also called: Becker Muscular Dystrophy (BMD); MUSCULAR DYSTROPHY, PSEUDOHYPERTROPHIC PROGRESSIVE, BECKER TYPE. Identifiers: Orphanet 98895, MedGen C0917713, MONDO:0010311, OMIM 300376.
Cardiovascular phenotype. Identifiers: MedGen CN230736.

Allele frequency attached by ClinVar (database versions not stated): gnomAD exomes below 0.00001; TOPMed below 0.00001.
gnomAD v4.1: 1 of 1,211,608 alleles (0.000083%); highest among the groups gnomAD compares: Middle Eastern, 0.023%; no homozygotes.

Submissions (5):

Ambry Genetics
Classification: Uncertain significance for Cardiovascular phenotype. Last evaluated: 2024-10-09. Review status: criteria provided, single submitter. Criteria: Ambry Variant Classification Scheme 2023. Collection method: clinical testing. Allele origin: germline.
Comment: The p.L654S variant (also known as c.1961T>C), located in coding exon 16 of the DMD gene, results from a T to C substitution at nucleotide position 1961. The leucine at codon 654 is replaced by serine, an amino acid with dissimilar properties. This amino acid position is highly conserved in available vertebrate species. In addition, this alteration is predicted to be deleterious by in silico analysis. Based on the available evidence, the clinical significance of this variant remains unclear.

Blueprint Genetics
Classification: Uncertain significance. Last evaluated: 2023-05-24. Review status: criteria provided, single submitter. Criteria: ACMG Guidelines, 2015. Collection method: clinical testing. Allele origin: germline.

Labcorp Genetics (formerly Invitae), Labcorp
Classification: Uncertain significance for Duchenne muscular dystrophy. Last evaluated: 2022-03-18. Review status: criteria provided, single submitter. Criteria: Invitae Variant Classification Sherloc (09022015). Collection method: clinical testing. Allele origin: germline.
Comment: This sequence change replaces leucine, which is neutral and non-polar, with serine, which is neutral and polar, at codon 654 of the DMD protein (p.Leu654Ser). This variant is not present in population databases (gnomAD no frequency). This missense change has been observed in individual(s) with DMD-related conditions (PMID: 19409785). ClinVar contains an entry for this variant (Variation ID: 373264). Algorithms developed to predict the effect of missense changes on protein structure and function (SIFT, PolyPhen-2, Align-GVGD) all suggest that this variant is likely to be disruptive. In summary, the available evidence is currently insufficient to determine the role of this variant in disease. Therefore, it has been classified as a Variant of Uncertain Significance.

GeneDx
Classification: Uncertain significance. Last evaluated: 2016-11-17. Review status: criteria provided, single submitter. Criteria: GeneDx Variant Classification (06012015). Collection method: clinical testing. Allele origin: germline. Affected: yes.
Comment: A variant of uncertain significance has been identified in the DMD gene. The L654S variant has not been published as a pathogenic variant, nor has it been reported as a benign variant to our knowledge. This variant was not observed in the Exome Aggregation Consortium. The L654S variant is a non-conservative amino acid substitution, which is likely to impact secondary protein structure as these residues differ in polarity, charge, size and/or other properties. This substitution occurs at a position that is conserved across species and in silico analysis predicts this variant is probably damaging to the protein structure/function.However, based on the currently available information, it is unclear whether this variant is pathogenic or rare benign.

Natera, Inc.
Classification: Uncertain significance for Becker muscular dystrophy; Cardiomyopathy; Duchenne muscular dystrophy; Dystrophin deficiency. Last evaluated: 2020-06-24. Review status: no assertion criteria provided. Collection method: clinical testing. Allele origin: germline. Not counted in ClinVar's aggregate classification.

Literature cited by the submitters: PubMed 19409785 (cited by Labcorp Genetics (formerly Invitae), Labcorp).

NM_004006.3(DMD):c.1961T>C (p.Leu654Ser)

Gene: DMD (dystrophin; minus strand). Cytogenetic location: Xp21.1.
Variant type: single nucleotide variant.
Coding change: c.1961T>C on transcript NM_004006.3 (MANE Select); coding-DNA position 1961, T replaced by C.
Protein change: p.Leu654Ser; replaces leucine 654 with serine.
Molecular consequence: missense variant.
Genome position (GRCh38, 1-based): chrX:32,565,733, A>G on the plus strand (T>C on the coding strand, the complement: DMD is on the minus strand). VCF-style: chrX-32565733-A-G. GRCh37 (hg19) VCF-style: chrX-32583850-A-G.
Other names: c.1937T>C, p.Leu646Ser (NM_000109.4); c.1949T>C, p.Leu650Ser (NM_004009.3); c.1592T>C, p.Leu531Ser (NM_004010.3); short protein forms L654S, L531S, L650S, L646S.
Identifiers: ClinVar variation 373264 (VCV000373264.8), dbSNP rs1057518312, ClinGen allele CA16043237.